The following is an entry in ClinVar:

NM_002528.7(NTHL1):c.334G>T (p.Asp112Tyr)

Gene: NTHL1 (nth like DNA glycosylase 1; minus strand). Cytogenetic location: 16p13.3.
Variant type: single nucleotide variant.
Coding change: c.334G>T on transcript NM_002528.7 (MANE Select); coding-DNA position 334, G replaced by T.
Protein change: p.Asp112Tyr; replaces aspartic acid 112 with tyrosine.
Molecular consequence: missense variant. On other transcripts: intron variant (1).
Genome position (GRCh38, 1-based): chr16:2,046,148, C>A on the plus strand (G>T on the coding strand, the complement: NTHL1 is on the minus strand). VCF-style: chr16-2046148-C-A. GRCh37 (hg19) VCF-style: chr16-2096149-C-A.
Other names: c.334G>T, p.Asp112Tyr (NM_001318193.2); c.24+132G>T (NM_001318194.2); short protein forms D112Y.
Identifiers: ClinVar variation 1732984 (VCV001732984.3), dbSNP rs1000576492, ClinGen allele CA394295147.

ClinVar aggregate classification (germline): Uncertain significance (1 of 4 stars; one submission).

Conditions:
Hereditary cancer-predisposing syndrome. Also called: Neoplastic Syndromes, Hereditary; Tumor predisposition; Hereditary Cancer Syndrome; Hereditary neoplastic syndrome. Identifiers: Orphanet 140162, MedGen C0027672, MeSH D009386, MONDO:0015356.

Submission:

Ambry Genetics
Classification: Uncertain significance for Hereditary cancer-predisposing syndrome. Last evaluated: 2022-04-19. Review status: criteria provided, single submitter. Criteria: Ambry Variant Classification Scheme 2023. Collection method: clinical testing. Allele origin: germline.
Comment: The p.D120Y variant (also known as c.358G>T), located in coding exon 2 of the NTHL1 gene, results from a G to T substitution at nucleotide position 358. The aspartic acid at codon 120 is replaced by tyrosine, an amino acid with highly dissimilar properties. This amino acid position is conserved. In addition, this alteration is predicted to be deleterious by in silico analysis. Since supporting evidence is limited at this time, the clinical significance of this alteration remains unclear.